The following is an entry in ClinVar:

NM_000216.4(ANOS1):c.404C>T (p.Pro135Leu)

Gene: ANOS1 (anosmin 1; minus strand). Cytogenetic location: Xp22.31.
Variant type: single nucleotide variant.
Coding change: c.404C>T on transcript NM_000216.4 (MANE Select); coding-DNA position 404, C replaced by T.
Protein change: p.Pro135Leu; replaces proline 135 with leucine.
Molecular consequence: missense variant.
Genome position (GRCh38, 1-based): chrX:8,597,171, G>A on the plus strand (C>T on the coding strand, the complement: ANOS1 is on the minus strand). VCF-style: chrX-8597171-G-A. GRCh37 (hg19) VCF-style: chrX-8565212-G-A.
Other names: short protein forms P135L.
Identifiers: ClinVar variation 224351 (VCV000224351.5), dbSNP rs1057519373, ClinGen allele CA16044143.

ClinVar aggregate classification (germline): Uncertain significance. Review status: criteria provided, multiple submitters, no conflicts (2 of 4 stars). 3 submissions from 3 submitters: Uncertain significance (3). Last evaluated 2025-02-17.

Conditions:
Hypogonadotropic hypogonadism 1 with or without anosmia (HH1). Also called: HYPOGONADOTROPIC HYPOGONADISM AND ANOSMIA; HYPOGONADOTROPIC HYPOGONADISM 1 WITH ANOSMIA; Hypogonadotropic hypogonadism 1 with or without anosmia (Kallmann syndrome 1); KAL1-Related GnRH Deficiency (Kallmann Syndrome 1; Kallmann Syndrome, X-Linked); Kallmann syndrome, type 1, X-linked; DYSPLASIA OLFACTOGENITALIS OF DE MORSIER. Identifiers: Orphanet 478, MedGen C1563719, MONDO:0010635, OMIM 308700. Disease mechanism: loss of function.

Allele frequency attached by ClinVar (database versions not stated): TOPMed 0.00003; gnomAD exomes 0.00001; gnomAD 0.00005.
gnomAD v4.1: 17 of 1,209,576 alleles (0.0014%); highest among the groups gnomAD compares: East Asian, 0.003%; no homozygotes.

Submissions (3):

Labcorp Genetics (formerly Invitae), Labcorp
Classification: Uncertain significance for Hypogonadotropic hypogonadism 1 with or without anosmia. Last evaluated: 2025-02-17. Review status: criteria provided, single submitter. Criteria: Invitae Variant Classification Sherloc (09022015). Collection method: clinical testing. Allele origin: germline.
Comment: This sequence change replaces proline, which is neutral and non-polar, with leucine, which is neutral and non-polar, at codon 135 of the ANOS1 protein (p.Pro135Leu). This variant is present in population databases (no rsID available, gnomAD 0.001%), including at least one homozygous and/or hemizygous individual. This variant has not been reported in the literature in individuals affected with ANOS1-related conditions. ClinVar contains an entry for this variant (Variation ID: 224351). Invitae Evidence Modeling of protein sequence and biophysical properties (such as structural, functional, and spatial information, amino acid conservation, physicochemical variation, residue mobility, and thermodynamic stability) indicates that this missense variant is expected to disrupt ANOS1 protein function with a positive predictive value of 80%. In summary, the available evidence is currently insufficient to determine the role of this variant in disease. Therefore, it has been classified as a Variant of Uncertain Significance.

Fulgent Genetics
Classification: Uncertain significance for Hypogonadotropic hypogonadism 1 with or without anosmia. Last evaluated: 2022-01-25. Review status: criteria provided, single submitter. Criteria: ACMG Guidelines, 2015. Collection method: clinical testing. Allele origin: unknown.

Lupski Lab, Baylor-Hopkins CMG, Baylor College of Medicine
Classification: Uncertain significance for Hypogonadotropic hypogonadism 1 with or without anosmia. Review status: criteria provided, single submitter. Criteria: Bekheirnia et al. (Genet Med. 2016). Collection method: research. Allele origin: unknown. Inheritance: Autosomal dominant inheritance. Affected: no. Observed: 1 heterozygote.